The following is an entry in ClinVar:

NM_002579.3(PALM):c.449G>A (p.Arg150Gln)

Gene: PALM (paralemmin; plus strand). Cytogenetic location: 19p13.3.
Variant type: single nucleotide variant.
Coding change: c.449G>A on transcript NM_002579.3 (MANE Select); coding-DNA position 449, G replaced by A.
Protein change: p.Arg150Gln; replaces arginine 150 with glutamine.
Molecular consequence: missense variant.
Genome position (GRCh38, 1-based): chr19:736,025, G>A. VCF-style: chr19-736025-G-A. GRCh37 (hg19) VCF-style: chr19-736025-G-A.
Other names: c.449G>A, p.Arg150Gln (NM_001040134.2); short protein forms R150Q.
Identifiers: ClinVar variation 2166979 (VCV002166979.4), dbSNP rs749219002, ClinGen allele CA9022640.
Genomic context (GRCh38, chr19:736,025, plus strand): 5'-ATGTGACCTCTCCTCTGACCCTCATCTCTCTCTCCGCTTCCACCTCCCGTGCAGACAAGC[G>A]AGTCTCCAACACGCCCCTGAGGACGGTTGACGGCTCCCCCATGATGAAGGCAGGTGGGTT-3'
Protein context (NP_002570.2, residues 140-160): QTPVGTPKDK[Arg150Gln]VSNTPLRTVD

ClinVar aggregate classification (germline): Uncertain significance (1 of 4 stars; one submission).

Allele frequency attached by ClinVar (database versions not stated): gnomAD exomes 0.00001; ExAC 0.00002; TOPMed 0.00002.
gnomAD v4.1: 9 of 1,609,614 alleles (0.00056%); highest among the groups gnomAD compares: East Asian, 0.0022%; no homozygotes.

Submission:

Labcorp Genetics (formerly Invitae), Labcorp
Classification: Uncertain significance. Last evaluated: 2024-04-05. Review status: criteria provided, single submitter. Criteria: Invitae Variant Classification Sherloc (09022015). Collection method: clinical testing. Allele origin: germline.
Comment: This sequence change replaces arginine, which is basic and polar, with glutamine, which is neutral and polar, at codon 150 of the PALM protein (p.Arg150Gln). This variant is present in population databases (rs749219002, gnomAD 0.007%). This variant has not been reported in the literature in individuals affected with PALM-related conditions. ClinVar contains an entry for this variant (Variation ID: 2166979). Algorithms developed to predict the effect of missense changes on protein structure and function output the following: SIFT: "Not Available"; PolyPhen-2: "Benign"; Align-GVGD: "Not Available". The glutamine amino acid residue is found in multiple mammalian species, which suggests that this missense change does not adversely affect protein function. In summary, the available evidence is currently insufficient to determine the role of this variant in disease. Therefore, it has been classified as a Variant of Uncertain Significance.